The following is an entry in ClinVar:

ClinVar aggregate classification (germline): Benign/Likely benign. Review status: criteria provided, multiple submitters, no conflicts (2 of 4 stars). 3 submissions from 3 submitters: Benign (1); Likely benign (2). Last evaluated 2026-02-01.

Allele frequency attached by ClinVar (database versions not stated): 1000 Genomes Project 30x 0.00031; 1000 Genomes Project 0.00040; ESP Exome Variant Server 0.00062.
gnomAD v4.1: 154 of 1,600,666 alleles (0.0096%); highest among the groups gnomAD compares: African/African-American, 0.18%; no homozygotes.

Submissions (3):

Labcorp Genetics (formerly Invitae), Labcorp
Classification: Benign. Last evaluated: 2026-02-01. Review status: criteria provided, single submitter. Criteria: Invitae Variant Classification Sherloc (09022015). Collection method: clinical testing. Allele origin: germline.

Blueprint Genetics
Classification: Likely benign. Last evaluated: 2024-07-14. Review status: criteria provided, single submitter. Criteria: ACMG Guidelines, 2015. Collection method: clinical testing. Allele origin: germline.

GeneDx
Classification: Likely benign. Last evaluated: 2021-11-11. Review status: criteria provided, single submitter. Criteria: GeneDx Variant Classification Process June 2021. Collection method: clinical testing. Allele origin: germline. Affected: yes.
Comment: See Variant Classification Assertion Criteria.

NM_001128840.3(CACNA1D):c.4110+19G>C

Gene: CACNA1D (calcium voltage-gated channel subunit alpha1 D; plus strand). Cytogenetic location: 3p21.1.
Variant type: single nucleotide variant.
Coding change: c.4110+19G>C on transcript NM_001128840.3 (MANE Select); 19 bases into the intron after coding-DNA position 4110, G replaced by C.
Molecular consequence: intron variant.
Genome position (GRCh38, 1-based): chr3:53,772,917, G>C. VCF-style: chr3-53772917-G-C. GRCh37 (hg19) VCF-style: chr3-53806944-G-C.
Other names: c.4065+19G>C (NM_001128839.3); c.4170+19G>C (NM_000720.4).
Identifiers: ClinVar variation 1553887 (VCV001553887.10), dbSNP rs375161264, ClinGen allele CA2454793.